The following is an entry in ClinVar:

ClinVar aggregate classification (germline): Uncertain significance (1 of 4 stars; one submission).

gnomAD v4.1: 1 of 1,613,094 alleles (0.000062%); highest among the groups gnomAD compares: African/African-American, 0.0013%; no homozygotes.

Submission:

GeneDx
Classification: Uncertain significance. Last evaluated: 2025-04-30. Review status: criteria provided, single submitter. Criteria: GeneDx Variant Classification Process June 2021. Collection method: clinical testing. Allele origin: germline.
Comment: Not observed at significant frequency in large population cohorts (gnomAD); In silico analysis supports that this missense variant has a deleterious effect on protein structure/function; Has not been previously published as pathogenic or benign to our knowledge

NM_138615.3(DHX30):c.1745A>C (p.Asn582Thr)

Gene: DHX30 (DExH-box helicase 30; plus strand). Cytogenetic location: 3p21.31.
Variant type: single nucleotide variant.
Coding change: c.1745A>C on transcript NM_138615.3 (MANE Select); coding-DNA position 1745, A replaced by C.
Protein change: p.Asn582Thr; replaces asparagine 582 with threonine.
Molecular consequence: missense variant.
Genome position (GRCh38, 1-based): chr3:47,846,817, A>C. VCF-style: chr3-47846817-A-C. GRCh37 (hg19) VCF-style: chr3-47888307-A-C.
Other names: c.1661A>C, p.Asn554Thr (NM_001330990.2); c.1628A>C, p.Asn543Thr (NM_014966.4); short protein forms N543T, N554T, N582T.
Identifiers: ClinVar variation 3376056 (VCV003376056.2).